The following is an entry in ClinVar:

ClinVar aggregate classification (germline): Likely benign (0 of 4 stars; one submission).

Conditions:
COL1A1-related disorder. Also called: COL1A1- related disease; COL1A1-related condition.

Allele frequency attached by ClinVar (database versions not stated): gnomAD exomes below 0.00001; ExAC 0.00001.
gnomAD v4.1: 4 of 1,612,374 alleles (0.00025%); highest among the groups gnomAD compares: Non-Finnish European, 0.00034%; no homozygotes.

Submission:

PreventionGenetics, part of Exact Sciences
Classification: Likely benign for COL1A1-related condition. Last evaluated: 2021-04-21. Review status: no assertion criteria provided. Collection method: clinical testing. Allele origin: germline.
Comment: This variant is classified as likely benign based on ACMG/AMP sequence variant interpretation guidelines (Richards et al. 2015 PMID: 25741868, with internal and published modifications).

NM_000088.4(COL1A1):c.2397+9A>C

Gene: COL1A1 (collagen type I alpha 1 chain; minus strand). Cytogenetic location: 17q21.33.
Variant type: single nucleotide variant.
Coding change: c.2397+9A>C on transcript NM_000088.4 (MANE Select); 9 bases into the intron after coding-DNA position 2397, A replaced by C.
Molecular consequence: intron variant.
Genome position (GRCh38, 1-based): chr17:50,190,534, T>G on the plus strand (A>C on the coding strand, the complement: COL1A1 is on the minus strand). VCF-style: chr17-50190534-T-G. GRCh37 (hg19) VCF-style: chr17-48267895-T-G.
Identifiers: ClinVar variation 3031256 (VCV003031256.2), dbSNP rs765246955, ClinGen allele CA8644839.
Genomic context (GRCh38, chr17:50,190,534, plus strand): 5'-GGGCCAGGGGTGCTGTGTGAAGGGAGGGAAGGGCCAAGTATGGGGTCTTAACAGGTCTTC[T>G]GTACTTACGGGGGCACCACGAGCTCCAGTGGGACCAGCAGGGCCGCTGGGACCACTTTCA-3'